The following is an entry in ClinVar:

ClinVar aggregate classification (germline): Uncertain significance (1 of 4 stars; one submission).

Conditions:
CREBBP-related disorder. Also called: CREBBP-related disorders; CREBBP-related condition.

Submission:

PreventionGenetics, part of Exact Sciences
Classification: Uncertain significance for CREBBP-related condition. Last evaluated: 2025-04-22. Review status: criteria provided, single submitter. Criteria: ACMG Guidelines, 2015. Collection method: clinical testing. Allele origin: germline.
Comment: The CREBBP c.4479A>G variant is predicted to result in the amino acid substitution p.Ile1493Met. To our knowledge, this variant has not been reported in the literature or in a large population database (gnomAD), indicating this variant is rare. At this time, the clinical significance of this variant is uncertain due to the absence of conclusive functional and genetic evidence.

NM_004380.3(CREBBP):c.4479A>G (p.Ile1493Met)

Gene: CREBBP (CREB binding lysine acetyltransferase; minus strand). Cytogenetic location: 16p13.3.
Variant type: single nucleotide variant.
Coding change: c.4479A>G on transcript NM_004380.3 (MANE Select); coding-DNA position 4479, A replaced by G.
Protein change: p.Ile1493Met; replaces isoleucine 1493 with methionine.
Molecular consequence: missense variant.
Genome position (GRCh38, 1-based): chr16:3,736,731, T>C on the plus strand (A>G on the coding strand, the complement: CREBBP is on the minus strand). VCF-style: chr16-3736731-T-C. GRCh37 (hg19) VCF-style: chr16-3786732-T-C.
Other names: c.4365A>G, p.Ile1455Met (NM_001079846.1); short protein forms I1493M, I1455M.
Identifiers: ClinVar variation 4986288 (VCV004986288.1).
Genomic context (GRCh38, chr16:3,736,731, plus strand): 5'-CTCTGCAAACGCCTTGTCCAGCATCTTTTTGTACCACTCCTGCAGTCGTTTTGGCTTGGG[T>C]ATTTTTTGATCAGGTGGGTGGCAATGGAAGATGTAATCATCTCCTTCACTTGGAGGACAG-3'
Protein context (NP_004371.2, residues 1483-1503): IFHCHPPDQK[Ile1493Met]PKPKRLQEWY